The following is an entry in ClinVar:

ClinVar aggregate classification (germline): Uncertain significance (1 of 4 stars; one submission).

Allele frequency attached by ClinVar (database versions not stated): TOPMed below 0.00001; gnomAD 0.00001; gnomAD exomes 0.00001.
gnomAD v4.1: 9 of 1,613,642 alleles (0.00056%); highest among the groups gnomAD compares: Non-Finnish European, 0.00076%; no homozygotes.

Submission:

Labcorp Genetics (formerly Invitae), Labcorp
Classification: Uncertain significance. Last evaluated: 2022-05-08. Review status: criteria provided, single submitter. Criteria: Invitae Variant Classification Sherloc (09022015). Collection method: clinical testing. Allele origin: germline.
Comment: In summary, the available evidence is currently insufficient to determine the role of this variant in disease. Therefore, it has been classified as a Variant of Uncertain Significance. This variant has not been reported in the literature in individuals affected with MAPKAPK3-related conditions. This variant is present in population databases (no rsID available, gnomAD 0.007%). This sequence change creates a premature translational stop signal (p.Tyr76*) in the MAPKAPK3 gene. It is expected to result in an absent or disrupted protein product. However, the current clinical and genetic evidence is not sufficient to establish whether loss-of-function variants in MAPKAPK3 cause disease.

NM_001243925.2(MAPKAPK3):c.228T>A (p.Tyr76Ter)

Gene: MAPKAPK3 (MAPK activated protein kinase 3; plus strand). Cytogenetic location: 3p21.2.
Variant type: single nucleotide variant.
Coding change: c.228T>A on transcript NM_001243925.2 (MANE Select); coding-DNA position 228, T replaced by A.
Protein change: p.Tyr76Ter; replaces tyrosine 76 with a stop codon.
Molecular consequence: nonsense.
Genome position (GRCh38, 1-based): chr3:50,640,374, T>A. VCF-style: chr3-50640374-T-A. GRCh37 (hg19) VCF-style: chr3-50677805-T-A.
Other names: c.228T>A, p.Tyr76Ter (NM_001243926.2, NM_004635.5); short protein forms Y76*.
Identifiers: ClinVar variation 2135627 (VCV002135627.4), dbSNP rs1422921375, ClinGen allele CA352925717.
Genomic context (GRCh38, chr3:50,640,374, plus strand): 5'-ATGATGGTAGAGGGCTCTGAGCCTGACACTTTCTATGTGCACCCACCTACAGCTCCTGTA[T>A]GACAGCCCCAAGGCCCGGCAGGAGGTAGACCATCACTGGCAGGCTTCTGGCGGCCCCCAT-3'